The following is an entry in ClinVar:

ClinVar aggregate classification (germline): Benign/Likely benign. Review status: criteria provided, multiple submitters, no conflicts (2 of 4 stars). 4 submissions from 4 submitters: Benign (1); Likely benign (3). Last evaluated 2025-08-14.

Conditions:
Tuberous sclerosis 2 (TSC2). Identifiers: Orphanet 805, MedGen C1860707, MONDO:0013199, OMIM 613254.
Hereditary cancer-predisposing syndrome. Also called: Neoplastic Syndromes, Hereditary; Hereditary Cancer Syndrome; Hereditary neoplastic syndrome; Tumor predisposition. Identifiers: Orphanet 140162, MedGen C0027672, MeSH D009386, MONDO:0015356.
Tuberous sclerosis syndrome (TSC). Also called: Tuberous Sclerosis Complex; Tuberous sclerosis. Identifiers: Orphanet 805, MedGen C0041341, MONDO:0001734.

Allele frequency attached by ClinVar (database versions not stated): TOPMed below 0.00001; gnomAD exomes 0.00001.

Submissions (4):

Color Diagnostics, LLC DBA Color Health
Classification: Likely benign for Tuberous sclerosis syndrome. Last evaluated: 2025-08-14. Review status: criteria provided, single submitter. Criteria: ACMG Guidelines, 2015. Collection method: clinical testing. Allele origin: germline.

Labcorp Genetics (formerly Invitae), Labcorp
Classification: Likely benign for Tuberous sclerosis 2. Last evaluated: 2025-06-10. Review status: criteria provided, single submitter. Criteria: Invitae Variant Classification Sherloc (09022015). Collection method: clinical testing. Allele origin: germline.

Myriad Genetics, Inc.
Classification: Benign for Tuberous sclerosis 2. Last evaluated: 2025-06-05. Review status: criteria provided, single submitter. Criteria: Myriad Autosomal Dominant, Autosomal Recessive and X-Linked Classification Criteria (2023). Collection method: clinical testing. Allele origin: unknown.
Comment: This variant is considered benign. This variant is a silent/synonymous amino acid change and it is not expected to impact splicing.

Ambry Genetics
Classification: Likely benign for Hereditary cancer-predisposing syndrome. Last evaluated: 2024-06-21. Review status: criteria provided, single submitter. Criteria: Ambry Variant Classification Scheme 2023. Collection method: clinical testing. Allele origin: germline.

NM_000548.5(TSC2):c.4980C>T (p.Gly1660=)

Gene: TSC2 (TSC complex subunit 2; plus strand). Cytogenetic location: 16p13.3.
Variant type: single nucleotide variant.
Coding change: c.4980C>T on transcript NM_000548.5 (MANE Select); coding-DNA position 4980, C replaced by T.
Protein change: p.Gly1660=; no amino-acid change (glycine 1660 retained).
Molecular consequence: synonymous variant.
Genome position (GRCh38, 1-based): chr16:2,086,862, C>T. VCF-style: chr16-2086862-C-T. GRCh37 (hg19) VCF-style: chr16-2136863-C-T.
Other names: c.4980C>T (NM_000548.3); c.4779C>T, p.Gly1593= (NM_001077183.3); c.4911C>T, p.Gly1637= (NM_001114382.3); c.4671C>T, p.Gly1557= (NM_001318827.2); c.4635C>T, p.Gly1545= (NM_001318829.2); c.4248C>T, p.Gly1416= (NM_001318831.2); c.4812C>T, p.Gly1604= (NM_001318832.2); c.4782C>T, p.Gly1594= (NM_001363528.2); and 2 more.
Identifiers: ClinVar variation 1161498 (VCV001161498.11), dbSNP rs2090869322, ClinGen allele CA492960053.